The following is an entry in ClinVar:

NM_033004.4(NLRP1):c.3778C>T (p.Arg1260Trp)

Gene: NLRP1 (NLR family pyrin domain containing 1; minus strand). Cytogenetic location: 17p13.2.
Variant type: single nucleotide variant.
Coding change: c.3778C>T on transcript NM_033004.4 (MANE Select); coding-DNA position 3778, C replaced by T.
Protein change: p.Arg1260Trp; replaces arginine 1260 with tryptophan.
Molecular consequence: missense variant.
Genome position (GRCh38, 1-based): chr17:5,521,529, G>A on the plus strand (C>T on the coding strand, the complement: NLRP1 is on the minus strand). VCF-style: chr17-5521529-G-A. GRCh37 (hg19) VCF-style: chr17-5424849-G-A.
Other names: c.3790C>T, p.Arg1264Trp (NM_001033053.3); c.3778C>T, p.Arg1260Trp (NM_014922.5); c.3688C>T, p.Arg1230Trp (NM_033006.4, NM_033007.4); short protein forms R1230W, R1260W, R1264W.
Identifiers: ClinVar variation 2130861 (VCV002130861.4), dbSNP rs747487022, ClinGen allele CA287278696.

ClinVar aggregate classification (germline): Uncertain significance (1 of 4 stars; one submission).

Allele frequency attached by ClinVar (database versions not stated): gnomAD 0.00001; gnomAD exomes 0.00001.
gnomAD v4.1: 13 of 1,612,930 alleles (0.00081%); highest among the groups gnomAD compares: Non-Finnish European, 0.0011%; no homozygotes.

Submission:

Labcorp Genetics (formerly Invitae), Labcorp
Classification: Uncertain significance. Last evaluated: 2022-04-26. Review status: criteria provided, single submitter. Criteria: Invitae Variant Classification Sherloc (09022015). Collection method: clinical testing. Allele origin: germline.
Comment: In summary, the available evidence is currently insufficient to determine the role of this variant in disease. Therefore, it has been classified as a Variant of Uncertain Significance. Algorithms developed to predict the effect of missense changes on protein structure and function (SIFT, PolyPhen-2, Align-GVGD) all suggest that this variant is likely to be disruptive. This variant has not been reported in the literature in individuals affected with NLRP1-related conditions. This variant is present in population databases (rs747487022, gnomAD 0.007%). This sequence change replaces arginine, which is basic and polar, with tryptophan, which is neutral and slightly polar, at codon 1260 of the NLRP1 protein (p.Arg1260Trp).